The following is an entry in ClinVar:

ClinVar aggregate classification (germline): Uncertain significance. Review status: criteria provided, multiple submitters, no conflicts (2 of 4 stars). 5 submissions from 5 submitters: Uncertain significance (4). 1 of the submissions does not count toward it. Last evaluated 2024-03-01.

Conditions:
Autosomal recessive limb-girdle muscular dystrophy type 2A (LGMDR1). Also called: Calpainopathy; Muscular dystrophy, limb-girdle, type 2A, Amish; LEYDEN-MOEBIUS MUSCULAR DYSTROPHY; MUSCULAR DYSTROPHY, PELVOFEMORAL; Limb-girdle muscular dystrophy, type 2A. Identifiers: Orphanet 267, MedGen C1869123, MONDO:0009675, OMIM 253600. Disease mechanism: loss of function.

Allele frequency attached by ClinVar (database versions not stated): gnomAD 0.00003 and 0.00004; TOPMed 0.00003; gnomAD exomes 0.00004 and 0.00010; ExAC 0.00006; ESP Exome Variant Server 0.00015.

Submissions (5):

Women's Health and Genetics/Laboratory Corporation of America, LabCorp
Classification: Uncertain significance. Last evaluated: 2024-03-01. Review status: criteria provided, single submitter. Criteria: LabCorp Variant Classification Summary - May 2015. Collection method: clinical testing. Allele origin: germline.
Comment: Variant summary: CAPN3 c.1292T>C (p.Val431Ala) results in a non-conservative amino acid change located in the catalytic domain (IPR001300) of the encoded protein sequence. Four of five in-silico tools predict a damaging effect of the variant on protein function. The variant allele was found at a frequency of 4.4e-05 in 251176 control chromosomes (gnomAD). This frequency is not significantly higher than estimated for a pathogenic variant in CAPN3 causing Limb-Girdle Muscular Dystrophy, Autosomal Recessive (4.4e-05 vs 0.0032), allowing no conclusion about variant significance. To our knowledge, no occurrence of c.1292T>C in individuals affected with Limb-Girdle Muscular Dystrophy, Autosomal Recessive and no experimental evidence demonstrating its impact on protein function have been reported. ClinVar contains an entry for this variant (Variation ID: 418108). Based on the evidence outlined above, the variant was classified as uncertain significance.

Labcorp Genetics (formerly Invitae), Labcorp
Classification: Uncertain significance for Autosomal recessive limb-girdle muscular dystrophy type 2A. Last evaluated: 2022-10-25. Review status: criteria provided, single submitter. Criteria: Invitae Variant Classification Sherloc (09022015). Collection method: clinical testing. Allele origin: germline.
Comment: This sequence change replaces valine, which is neutral and non-polar, with alanine, which is neutral and non-polar, at codon 431 of the CAPN3 protein (p.Val431Ala). This variant is present in population databases (rs199625801, gnomAD 0.01%). This variant has not been reported in the literature in individuals affected with CAPN3-related conditions. ClinVar contains an entry for this variant (Variation ID: 418108). Advanced modeling of protein sequence and biophysical properties (such as structural, functional, and spatial information, amino acid conservation, physicochemical variation, residue mobility, and thermodynamic stability) performed at Invitae indicates that this missense variant is not expected to disrupt CAPN3 protein function. In summary, the available evidence is currently insufficient to determine the role of this variant in disease. Therefore, it has been classified as a Variant of Uncertain Significance.

Revvity Omics, Revvity
Classification: Uncertain significance. Last evaluated: 2020-09-07. Review status: criteria provided, single submitter. Criteria: ACMG Guidelines, 2015. Collection method: clinical testing. Allele origin: germline.

GeneDx
Classification: Uncertain significance. Last evaluated: 2017-03-16. Review status: criteria provided, single submitter. Criteria: GeneDx Variant Classification (06012015). Collection method: clinical testing. Allele origin: germline. Affected: yes.
Comment: The maternally inherited V431A variant in the CAPN3 gene has not been published as a mutation, nor has it been reported as a benign polymorphism to our knowledge. However, a missense mutation at the same residue (V431M) has been reported in the Human Gene Mutation Database in association with limb-girdle muscular dystrophy (Stenson et al., 2009). The V431A variant was not observed at any significant frequency in approximately 6,500 individuals of European and African American ancestry in the NHLBI Exome Sequencing Project, indicating it is not a common benign variant in these populations. The V431A variant is a conservative amino acid substitution, which is not likely to impact secondary protein structure as these residues share similar properties. This substitution occurs at a position that is conserved across species. In silico analysis predicts this variant is probably damaging to the protein structure/function. Missense mutations in nearby residues (N434I, E435K) have been reported in the Human Gene Mutation Database in association with limb-girdle muscular dystrophy (Stenson et al., 2009), supporting the functional importance of this region of the protein. Based on review of the data in the context of the 2015 ACMG standards and guidelines for the interpretation of sequence variants (Richards et al., 2015), we interpret V431A as a variant of uncertain significance.

Natera, Inc.
Classification: Uncertain significance for Limb-girdle muscular dystrophy type 2A. Last evaluated: 2020-12-22. Review status: no assertion criteria provided. Collection method: clinical testing. Allele origin: germline. Not counted in ClinVar's aggregate classification.

NM_000070.3(CAPN3):c.1292T>C (p.Val431Ala)

Gene: CAPN3 (calpain 3; plus strand). Cytogenetic location: 15q15.1.
Variant type: single nucleotide variant.
Coding change: c.1292T>C on transcript NM_000070.3 (MANE Select); coding-DNA position 1292, T replaced by C.
Protein change: p.Val431Ala; replaces valine 431 with alanine.
Molecular consequence: missense variant.
Genome position (GRCh38, 1-based): chr15:42,399,590, T>C. VCF-style: chr15-42399590-T-C. GRCh37 (hg19) VCF-style: chr15-42691788-T-C.
Other names: c.1292T>C, p.Val431Ala (NM_024344.2); c.1148T>C, p.Val383Ala (NM_173087.2); short protein forms V431A, V383A.
Identifiers: ClinVar variation 418108 (VCV000418108.11), dbSNP rs199625801, ClinGen allele CA7511311.